The following is an entry in ClinVar:

NM_001385562.1(ARPP21):c.990C>G (p.Leu330=)

Gene: ARPP21 (cAMP regulated phosphoprotein 21; plus strand). Cytogenetic location: 3p22.3.
Variant type: single nucleotide variant.
Coding change: c.990C>G on transcript NM_001385562.1 (MANE Select); coding-DNA position 990, C replaced by G.
Protein change: p.Leu330=; no amino-acid change (leucine 330 retained).
Molecular consequence: synonymous variant. On other transcripts: missense variant (1), non-coding transcript variant (2), intron variant (24).
Genome position (GRCh38, 1-based): chr3:35,717,352, C>G. VCF-style: chr3-35717352-C-G. GRCh37 (hg19) VCF-style: chr3-35758844-C-G.
Other names: c.779C>G, p.Ser260Cys (NM_001385517.1); c.885C>G, p.Leu295= (NM_001385536.1, NM_001385585.1); c.198C>G, p.Leu66= (NM_001385561.1); c.888C>G, p.Leu296= (NM_001385564.1, NM_001385587.1, NM_001385588.2 and 5 more transcripts); c.987C>G, p.Leu329= (NM_001385591.1, NM_001385593.1, NM_001385495.1); c.990C>G, p.Leu330= (NM_001385592.1, NM_001385594.1, NM_001385595.1 and 2 more transcripts); c.833+1876C>G (NM_001385489.1, NM_001385488.1, NM_001385497.1 and 14 more transcripts); c.935+1876C>G (NM_001385558.1, NM_001385567.1, NM_001385590.1 and 1 more transcripts); and 3 more; short protein forms S260C.
Identifiers: ClinVar variation 2653652 (VCV002653652.24), dbSNP rs139185498, ClinGen allele CA2304481.

ClinVar aggregate classification (germline): Likely benign (1 of 4 stars; one submission).

Allele frequency attached by ClinVar (database versions not stated): 1000 Genomes Project 30x 0.00078; 1000 Genomes Project 0.00100; TOPMed 0.00166; ESP Exome Variant Server 0.00169; ExAC 0.00293.
gnomAD v4.1: 3,874 of 1,597,296 alleles (0.24%); highest among the groups gnomAD compares: Non-Finnish European, 0.24%; 21 homozygotes.

Submission:

CeGaT Center for Human Genetics Tuebingen
Classification: Likely benign. Last evaluated: 2023-02-01. Review status: criteria provided, single submitter. Criteria: CeGaT Center For Human Genetics Tuebingen Variant Classification Criteria Version 2. Collection method: clinical testing. Allele origin: germline. Affected: yes. Observed: 1 variant allele.
Comment: ARPP21: BP4, BP7